The following is an entry in ClinVar:

ClinVar aggregate classification (germline): Uncertain significance (1 of 4 stars; one submission).

gnomAD v4.1: 9 of 1,614,108 alleles (0.00056%); highest among the groups gnomAD compares: Non-Finnish European, 0.00076%; no homozygotes.

Submission:

Ambry Genetics
Classification: Uncertain significance. Last evaluated: 2025-12-15. Review status: criteria provided, single submitter. Criteria: Ambry Variant Classification Scheme 2023. Collection method: clinical testing. Allele origin: germline.
Comment: The c.1840C>G (p.R614G) alteration is located in exon 4 (coding exon 3) of the DNMBP gene. This alteration results from a C to G substitution at nucleotide position 1840, causing the arginine (R) at amino acid position 614 to be replaced by a glycine (G). Based on data from gnomAD, the G allele has an overall frequency of 0.001% (2/251392) total alleles studied. The highest observed frequency was 0.016% (1/6136) of Other alleles. Based on insufficient or conflicting evidence, the clinical significance of this alteration remains unclear.

NM_015221.4(DNMBP):c.1840C>G (p.Arg614Gly)

Genes: DNMBP (dynamin binding protein; minus strand), DNMBP-AS1 (DNMBP antisense RNA 1; plus strand). Cytogenetic location: 10q24.2.
Variant type: single nucleotide variant.
Coding change: c.1840C>G on transcript NM_015221.4 (MANE Select); coding-DNA position 1840, C replaced by G.
Protein change: p.Arg614Gly; replaces arginine 614 with glycine.
Molecular consequence: missense variant. On other transcripts: non-coding transcript variant (1).
Genome position (GRCh38, 1-based): chr10:99,955,634, G>C on the plus strand (C>G on the coding strand, the complement: DNMBP is on the minus strand). VCF-style: chr10-99955634-G-C. GRCh37 (hg19) VCF-style: chr10-101715391-G-C.
Other names: c.1840C>G, p.Arg614Gly (NM_001441287.1, NM_001441288.1); short protein forms R614G.
Identifiers: ClinVar variation 4837101 (VCV004837101.1).